The following is an entry in ClinVar:

ClinVar aggregate classification (germline): Pathogenic/Likely pathogenic. Review status: criteria provided, multiple submitters, no conflicts (2 of 4 stars). 2 submissions from 2 submitters: Pathogenic (1); Likely pathogenic (1). Last evaluated 2023-03-03.

Conditions:
Kleefstra syndrome 2 (KLEFS2). Identifiers: MedGen C4540395, MONDO:0054701, OMIM 617768.

Submissions (2):

Institute for Clinical Genetics, University Hospital TU Dresden, University Hospital TU Dresden
Classification: Likely pathogenic. Last evaluated: 2023-03-03. Review status: criteria provided, single submitter. Criteria: ACMG Guidelines, 2015. Collection method: clinical testing. Allele origin: germline.
Comment: PVS1, PM2_SUP

Imagene.me medical diagnostic laboratory, IMAGENE.ME SA
Classification: Pathogenic for Kleefstra syndrome 2. Review status: criteria provided, single submitter. Criteria: IMAGENE.ME Variant Classification SOP 2022. Collection method: clinical testing. Allele origin: germline. Affected: yes.
Comment: Classified according to the IMAGENE.ME variant classification SOP based on the ACMG guidelines as Pathogenic (P): PVS1 + PM2 + PP4

NM_170606.3(KMT2C):c.13597C>T (p.Arg4533Ter)

Gene: KMT2C (lysine methyltransferase 2C; minus strand). Cytogenetic location: 7q36.1.
Variant type: single nucleotide variant.
Coding change: c.13597C>T on transcript NM_170606.3 (MANE Select); coding-DNA position 13597, C replaced by T.
Protein change: p.Arg4533Ter; replaces arginine 4533 with a stop codon.
Molecular consequence: nonsense.
Genome position (GRCh38, 1-based): chr7:152,148,330, G>A on the plus strand (C>T on the coding strand, the complement: KMT2C is on the minus strand). VCF-style: chr7-152148330-G-A. GRCh37 (hg19) VCF-style: chr7-151845415-G-A.
Other names: short protein forms R4533*.
Identifiers: ClinVar variation 2576079 (VCV002576079.2), dbSNP rs2129095098, ClinGen allele CA370090413.